The following is an entry in ClinVar:

NM_024312.5(GNPTAB):c.1543G>T (p.Ala515Ser)

Gene: GNPTAB (N-acetylglucosamine-1-phosphate transferase subunits alpha and beta; minus strand). Cytogenetic location: 12q23.2.
Variant type: single nucleotide variant.
Coding change: c.1543G>T on transcript NM_024312.5 (MANE Select); coding-DNA position 1543, G replaced by T.
Protein change: p.Ala515Ser; replaces alanine 515 with serine.
Molecular consequence: missense variant.
Genome position (GRCh38, 1-based): chr12:101,766,160, C>A on the plus strand (G>T on the coding strand, the complement: GNPTAB is on the minus strand). VCF-style: chr12-101766160-C-A. GRCh37 (hg19) VCF-style: chr12-102159938-C-A.
Other names: short protein forms A515S.
Identifiers: ClinVar variation 1513435 (VCV001513435.4), dbSNP rs771144768, ClinGen allele CA386301176.

ClinVar aggregate classification (germline): Uncertain significance (1 of 4 stars; one submission).

Conditions:
Pseudo-Hurler polydystrophy. Also called: ML III; ML III ALPHA/BETA; Type III Mucolipidosis; ML IIIA; Mucolipidosis III Alpha/Beta; MUCOLIPIDOSIS IIIA. Identifiers: Orphanet 423461, Orphanet 577, MedGen C0033788, MONDO:0018931, OMIM 252600.
Mucolipidosis type II. Also called: ML II ALPHA/BETA; Mucolipidosis 2; ML 2; Inclusion cell disease; Leroy Disease; N-acetylglucosamine 1phosphotransferase deficiency. Identifiers: Orphanet 576, MedGen C2673377, MONDO:0009650, OMIM 252500.

Submission:

Labcorp Genetics (formerly Invitae), Labcorp
Classification: Uncertain significance for Pseudo-Hurler polydystrophy; Mucolipidosis type II. Last evaluated: 2025-04-08. Review status: criteria provided, single submitter. Criteria: Invitae Variant Classification Sherloc (09022015). Collection method: clinical testing. Allele origin: germline.
Comment: This sequence change replaces alanine, which is neutral and non-polar, with serine, which is neutral and polar, at codon 515 of the GNPTAB protein (p.Ala515Ser). This variant is not present in population databases (gnomAD no frequency). This variant has not been reported in the literature in individuals affected with GNPTAB-related conditions. ClinVar contains an entry for this variant (Variation ID: 1513435). Invitae Evidence Modeling of protein sequence and biophysical properties (such as structural, functional, and spatial information, amino acid conservation, physicochemical variation, residue mobility, and thermodynamic stability) indicates that this missense variant is expected to disrupt GNPTAB protein function with a positive predictive value of 80%. In summary, the available evidence is currently insufficient to determine the role of this variant in disease. Therefore, it has been classified as a Variant of Uncertain Significance.